The following is an entry in ClinVar:

ClinVar aggregate classification (germline): Uncertain significance (1 of 4 stars; one submission).

Conditions:
Epidermolysis bullosa simplex with nail dystrophy (EBS5D). Identifiers: MedGen C4225309, MONDO:0014661, OMIM 616487.
Epidermolysis bullosa simplex, Ogna type (EBS5A). Also called: EPIDERMOLYSIS BULLOSA SIMPLEX 5A, OGNA TYPE; Pidermolysis bullosa simplex 5A, Ogna type. Identifiers: Orphanet 79401, MedGen C0432317, MONDO:0007555, OMIM 131950.
Epidermolysis bullosa simplex 5C, with pyloric atresia (EBS5C). Also called: PLEC1-Related Epidermolysis Bullosa with Pyloric Atresia; PLEC-Related Epidermolysis Bullosa with Pyloric Atresia; Epidermolysis bullosa simplex with pyloric atresia. Identifiers: Orphanet 158684, MedGen C2677349, MONDO:0012807, OMIM 612138.
Autosomal recessive limb-girdle muscular dystrophy type 2Q (LGMDR17). Also called: MUSCULAR DYSTROPHY, LIMB-GIRDLE, AUTOSOMAL RECESSIVE 17. Identifiers: Orphanet 254361, MedGen C3150989, MONDO:0013390, OMIM 613723.
Epidermolysis bullosa simplex 5B, with muscular dystrophy (EBS5B). Also called: EPIDERMOLYSIS BULLOSA SIMPLEX AND LIMB-GIRDLE MUSCULAR DYSTROPHY; Epidermolysis bullosa simplex with muscular dystrophy. Identifiers: Orphanet 257, MedGen C2931072, MONDO:0009181, OMIM 226670.

Allele frequency attached by ClinVar (database versions not stated): TOPMed below 0.00001; gnomAD 0.00001; gnomAD exomes 0.00001; ExAC 0.00004.
gnomAD v4.1: 23 of 1,611,728 alleles (0.0014%); highest among the groups gnomAD compares: East Asian, 0.0067%; no homozygotes.

Submission:

Labcorp Genetics (formerly Invitae), Labcorp
Classification: Uncertain significance for Autosomal recessive limb-girdle muscular dystrophy type 2Q; Epidermolysis bullosa simplex, Ogna type; Epidermolysis bullosa simplex with nail dystrophy; Epidermolysis bullosa simplex 5C, with pyloric atresia; Epidermolysis bullosa simplex 5B, with muscular dystrophy. Last evaluated: 2025-08-02. Review status: criteria provided, single submitter. Criteria: Invitae Variant Classification Sherloc (09022015). Collection method: clinical testing. Allele origin: germline.
Comment: This sequence change replaces arginine, which is basic and polar, with glutamine, which is neutral and polar, at codon 3776 of the PLEC protein (p.Arg3776Gln). This variant is present in population databases (rs781826150, gnomAD 0.01%). This variant has not been reported in the literature in individuals affected with PLEC-related conditions. ClinVar contains an entry for this variant (Variation ID: 2924309). An algorithm developed to predict the effect of missense changes on protein structure and function (PolyPhen-2) suggests that this variant is likely to be disruptive. In summary, the available evidence is currently insufficient to determine the role of this variant in disease. Therefore, it has been classified as a Variant of Uncertain Significance.

NM_201384.3(PLEC):c.11246G>A (p.Arg3749Gln)

Gene: PLEC (plectin; minus strand). Cytogenetic location: 8q24.3.
Variant type: single nucleotide variant.
Coding change: c.11246G>A on transcript NM_201384.3 (MANE Select); coding-DNA position 11246, G replaced by A.
Protein change: p.Arg3749Gln; replaces arginine 3749 with glutamine.
Molecular consequence: missense variant.
Genome position (GRCh38, 1-based): chr8:143,918,575, C>T on the plus strand (G>A on the coding strand, the complement: PLEC is on the minus strand). VCF-style: chr8-143918575-C-T. GRCh37 (hg19) VCF-style: chr8-144992743-C-T.
Other names: c.11327G>A, p.Arg3776Gln (NM_000445.5); c.7946G>A, p.Arg2649Gln (NM_001410941.1); c.11204G>A, p.Arg3735Gln (NM_201378.4); c.11180G>A, p.Arg3727Gln (NM_201379.3); c.11657G>A, p.Arg3886Gln (NM_201380.4); c.11150G>A, p.Arg3717Gln (NM_201381.3); c.11246G>A, p.Arg3749Gln (NM_201382.4); c.11258G>A, p.Arg3753Gln (NM_201383.3); short protein forms R3753Q, R3776Q, R3886Q, R2649Q, R3717Q, R3735Q, R3727Q, R3749Q.
Identifiers: ClinVar variation 2924309 (VCV002924309.3), dbSNP rs781826150, ClinGen allele CA4924402.
Genomic context (GRCh38, chr8:143,918,575, plus strand): 5'-GTGACCGCCCGCTCAGCCGAGAGCAGGCGGTCGTGCAGCTCGGGCCCCACGAGGCCCTTC[C>T]GCACAGCCTCATCCACAGTCAGCCGCTCCCCCTTCACCGGGTCCAGCAGGAAGCCTGTGG-3'
Protein context (NP_958786.1, residues 3739-3759): GERLTVDEAV[Arg3749Gln]KGLVGPELHD